The following is an entry in ClinVar:

NM_000094.4(COL7A1):c.314G>A (p.Arg105His)

Gene: COL7A1 (collagen type VII alpha 1 chain; minus strand). Cytogenetic location: 3p21.31.
Variant type: single nucleotide variant.
Coding change: c.314G>A on transcript NM_000094.4 (MANE Select); coding-DNA position 314, G replaced by A.
Protein change: p.Arg105His; replaces arginine 105 with histidine.
Molecular consequence: missense variant.
Genome position (GRCh38, 1-based): chr3:48,593,649, C>T on the plus strand (G>A on the coding strand, the complement: COL7A1 is on the minus strand). VCF-style: chr3-48593649-C-T. GRCh37 (hg19) VCF-style: chr3-48631082-C-T.
Other names: short protein forms R105H.
Identifiers: ClinVar variation 899901 (VCV000899901.7), dbSNP rs370534336, ClinGen allele CA2381581.

ClinVar aggregate classification (germline): Uncertain significance. Review status: criteria provided, multiple submitters, no conflicts (2 of 4 stars). 2 submissions from 2 submitters: Uncertain significance (2). Last evaluated 2025-09-11.

Conditions:
Epidermolysis bullosa dystrophica. Also called: Dystrophic epidermolysis bullosa, Hallopeau-Siemens type (formerly); Dystrophic epidermolysis bullosa. Identifiers: Orphanet 303, MedGen C0079294, MONDO:0006543.

Allele frequency attached by ClinVar (database versions not stated): ESP Exome Variant Server 0.00015; ExAC 0.00002; gnomAD exomes 0.00003 and 0.00007; gnomAD 0.00005; TOPMed 0.00008.
gnomAD v4.1: 114 of 1,614,074 alleles (0.0071%); highest among the groups gnomAD compares: Non-Finnish European, 0.0085%; no homozygotes.

Submissions (2):

Labcorp Genetics (formerly Invitae), Labcorp
Classification: Uncertain significance. Last evaluated: 2025-09-11. Review status: criteria provided, single submitter. Criteria: Invitae Variant Classification Sherloc (09022015). Collection method: clinical testing. Allele origin: germline.
Comment: This sequence change replaces arginine, which is basic and polar, with histidine, which is basic and polar, at codon 105 of the COL7A1 protein (p.Arg105His). This variant is present in population databases (rs370534336, gnomAD 0.02%). This variant has not been reported in the literature in individuals affected with COL7A1-related conditions. ClinVar contains an entry for this variant (Variation ID: 899901). Invitae Evidence Modeling of protein sequence and biophysical properties (such as structural, functional, and spatial information, amino acid conservation, physicochemical variation, residue mobility, and thermodynamic stability) indicates that this missense variant is not expected to disrupt COL7A1 protein function with a negative predictive value of 95%. In summary, the available evidence is currently insufficient to determine the role of this variant in disease. Therefore, it has been classified as a Variant of Uncertain Significance.

Illumina Laboratory Services, Illumina
Classification: Uncertain significance for Dystrophic epidermolysis bullosa. Last evaluated: 2018-01-12. Review status: criteria provided, single submitter. Criteria: ICSL Variant Classification Criteria 13 December 2019. Collection method: clinical testing. Allele origin: germline.